The following is an entry in ClinVar:

NM_001182.5(ALDH7A1):c.1225G>T (p.Val409Leu)

Gene: ALDH7A1 (aldehyde dehydrogenase 7 family member A1; minus strand). Cytogenetic location: 5q23.2.
Variant type: single nucleotide variant.
Coding change: c.1225G>T on transcript NM_001182.5 (MANE Select); coding-DNA position 1225, G replaced by T.
Protein change: p.Val409Leu; replaces valine 409 with leucine.
Molecular consequence: missense variant.
Genome position (GRCh38, 1-based): chr5:126,552,113, C>A on the plus strand (G>T on the coding strand, the complement: ALDH7A1 is on the minus strand). VCF-style: chr5-126552113-C-A. GRCh37 (hg19) VCF-style: chr5-125887805-C-A.
Other names: p.V409L:GTA>TTA; c.1141G>T, p.Val381Leu (NM_001201377.2); c.1033G>T, p.Val345Leu (NM_001202404.2); short protein forms V409L, V345L, V381L.
Identifiers: ClinVar variation 204844 (VCV000204844.4), dbSNP rs796052263, ClinGen allele CA313195.

ClinVar aggregate classification (germline): Uncertain significance. Review status: criteria provided, multiple submitters, no conflicts (2 of 4 stars). 3 submissions from 3 submitters: Uncertain significance (3). Last evaluated 2023-04-11.

Conditions:
Pyridoxine-dependent epilepsy (EPEO4). Also called: Pyridoxine-Dependent Seizures; Pyridoxine-Dependent Epilepsy - ALDH7A1; PYRIDOXINE DEPENDENCY WITH SEIZURES; EPILEPSY, EARLY-ONSET, 4, VITAMIN B6-DEPENDENT. Identifiers: Orphanet 3006, MedGen C1849508, MONDO:0009945, OMIM 266100. Disease mechanism: loss of function.

Allele frequency attached by ClinVar (database versions not stated): gnomAD 0.00001; TOPMed below 0.00001.
gnomAD v4.1: 1 of 1,613,854 alleles (0.000062%); highest among the groups gnomAD compares: Admixed American, 0.0017%; no homozygotes.

Submissions (3):

Genome-Nilou Lab
Classification: Uncertain significance for Pyridoxine-dependent epilepsy. Last evaluated: 2023-04-11. Review status: criteria provided, single submitter. Criteria: ACMG Guidelines, 2015. Collection method: clinical testing. Allele origin: germline. Affected: no.

Labcorp Genetics (formerly Invitae), Labcorp
Classification: Uncertain significance for Pyridoxine-dependent epilepsy. Last evaluated: 2022-01-27. Review status: criteria provided, single submitter. Criteria: Invitae Variant Classification Sherloc (09022015). Collection method: clinical testing. Allele origin: germline.
Comment: This sequence change replaces valine, which is neutral and non-polar, with leucine, which is neutral and non-polar, at codon 409 of the ALDH7A1 protein (p.Val409Leu). This variant is not present in population databases (gnomAD no frequency). This variant has not been reported in the literature in individuals affected with ALDH7A1-related conditions. ClinVar contains an entry for this variant (Variation ID: 204844). Advanced modeling of protein sequence and biophysical properties (such as structural, functional, and spatial information, amino acid conservation, physicochemical variation, residue mobility, and thermodynamic stability) performed at Invitae indicates that this missense variant is expected to disrupt ALDH7A1 protein function. In summary, the available evidence is currently insufficient to determine the role of this variant in disease. Therefore, it has been classified as a Variant of Uncertain Significance.

GeneDx
Classification: Uncertain significance. Last evaluated: 2013-01-25. Review status: criteria provided, single submitter. Criteria: GeneDx Variant Classification (06012015). Collection method: clinical testing. Allele origin: germline. Affected: yes.
Comment: p.Val409Leu (GTA>TTA): c.1225 G>T in exon 14 of the ALDH7A1 gene (NM_001182.3). The Val409Leu missense change has not been published as a mutation, nor has it been reported as a benign polymorphism to our knowledge. The NHLBI ESP Exome Variant Project has not identified Val409Leu in approximately 6,500 individuals of European or African American ethnicity, indicating that it is not a common benign variant in these populations. The amino acid substitution is conservative, as Valine and Leucine are both uncharged, non-polar amino acids. However, it alters a highly conserved position in the protein, and missense mutations have been reported at nearby codons in association with pyridoxine-dependent epilepsy. Additionally, multiple in silico algorithms predict Val409Leu may be damaging to protein structure/function. Therefore, based on the currently available information, it is unclear whether Val409Leu is a disease-causing mutation or a rare benign variant. The variant is found in EPILEPSY panel(s).